The following is an entry in ClinVar:

NM_000016.6(ACADM):c.65C>A (p.Ser22Ter)

Gene: ACADM (acyl-CoA dehydrogenase medium chain; plus strand). Cytogenetic location: 1p31.1.
Variant type: single nucleotide variant.
Coding change: c.65C>A on transcript NM_000016.6 (MANE Select); coding-DNA position 65, C replaced by A.
Protein change: p.Ser22Ter; replaces serine 22 with a stop codon.
Molecular consequence: nonsense. On other transcripts: intron variant (2).
Genome position (GRCh38, 1-based): chr1:75,728,435, C>A. VCF-style: chr1-75728435-C-A. GRCh37 (hg19) VCF-style: chr1-76194120-C-A.
Other names: c.77C>A, p.Ser26Ter (NM_001127328.3); c.65C>A, p.Ser22Ter (NM_001286043.2); c.10+3618C>A (NM_001286042.2); c.-268+3618C>A (NM_001286044.2); short protein forms S22*, S26*.
Identifiers: ClinVar variation 2023607 (VCV002023607.5), dbSNP rs1325609596, ClinGen allele CA340807116.

ClinVar aggregate classification (germline): Pathogenic/Likely pathogenic. Review status: criteria provided, multiple submitters, no conflicts (2 of 4 stars). 2 submissions from 2 submitters: Pathogenic (1); Likely pathogenic (1). Last evaluated 2025-12-03.

Conditions:
Medium-chain acyl-coenzyme A dehydrogenase deficiency (ACADMD). Also called: Medium chain acyl-CoA dehydrogenase deficiency; MCADD; ACADM DEFICIENCY; CARNITINE DEFICIENCY SECONDARY TO MEDIUM-CHAIN ACYL-CoA DEHYDROGENASE DEFICIENCY; MCAD Deficiency; MCADH DEFICIENCY. Identifiers: Orphanet 42, MedGen C0220710, MONDO:0008721, OMIM 201450.

Allele frequency attached by ClinVar (database versions not stated): TOPMed below 0.00001.
gnomAD v4.1: 5 of 1,613,472 alleles (0.00031%); highest among the groups gnomAD compares: South Asian, 0.0055%; no homozygotes.

Submissions (2):

Natera, Inc.
Classification: Likely pathogenic for Medium Chain Acyl-CoA Dehydrogenase Deficiency. Last evaluated: 2025-12-03. Review status: criteria provided, single submitter. Criteria: Natera Variant Classification Schema (03/2026). Collection method: clinical testing. Allele origin: germline.
Comment: The c.65C>A variant in ACADM is a nonsense variant predicted to introduce a stop codon at amino acid 22. This variant is expected to result in nonsense mediated decay, truncation, or a dysfunctional protein product. This variant is rare in the general population with a frequency below the threshold expected for the associated phenotype(s). Given the available evidence, this variant is classified as Likely Pathogenic.

Labcorp Genetics (formerly Invitae), Labcorp
Classification: Pathogenic for Medium-chain acyl-coenzyme A dehydrogenase deficiency. Last evaluated: 2023-06-16. Review status: criteria provided, single submitter. Criteria: Invitae Variant Classification Sherloc (09022015). Collection method: clinical testing. Allele origin: germline.
Comment: For these reasons, this variant has been classified as Pathogenic. ClinVar contains an entry for this variant (Variation ID: 2023607). This variant has not been reported in the literature in individuals affected with ACADM-related conditions. This variant is not present in population databases (gnomAD no frequency). This sequence change creates a premature translational stop signal (p.Ser22*) in the ACADM gene. It is expected to result in an absent or disrupted protein product. Loss-of-function variants in ACADM are known to be pathogenic (PMID: 16121256, 20434380).

Literature cited by the submitters: PubMed 16121256 (cited by Labcorp Genetics (formerly Invitae), Labcorp); PubMed 20434380 (cited by Labcorp Genetics (formerly Invitae), Labcorp).